The following is an entry in ClinVar:

NM_182961.4(SYNE1):c.26078C>A (p.Pro8693Gln)

Gene: SYNE1 (spectrin repeat containing nuclear envelope protein 1; minus strand). Cytogenetic location: 6q25.2.
Variant type: single nucleotide variant.
Coding change: c.26078C>A on transcript NM_182961.4 (MANE Select); coding-DNA position 26078, C replaced by A.
Protein change: p.Pro8693Gln; replaces proline 8693 with glutamine.
Molecular consequence: missense variant.
Genome position (GRCh38, 1-based): chr6:152,132,138, G>T on the plus strand (C>A on the coding strand, the complement: SYNE1 is on the minus strand). VCF-style: chr6-152132138-G-T. GRCh37 (hg19) VCF-style: chr6-152453273-G-T.
Other names: c.2684C>A, p.Pro895Gln (NM_001347701.2); c.2612C>A, p.Pro871Gln (NM_001347702.2); c.25934C>A, p.Pro8645Gln (NM_033071.5); short protein forms P871Q, P895Q, P8693Q, P8645Q.
Identifiers: ClinVar variation 1397794 (VCV001397794.5), dbSNP rs147829200, ClinGen allele CA150160556.

ClinVar aggregate classification (germline): Uncertain significance (1 of 4 stars; one submission).

Conditions:
Emery-Dreifuss muscular dystrophy 4, autosomal dominant (EDMD4). Also called: EMERY-DREIFUSS MUSCULAR DYSTROPHY 4 WITH VARIABLE FEATURES. Identifiers: Orphanet 261, MedGen C2751807, MONDO:0013071, OMIM 612998.
Autosomal recessive ataxia, Beauce type. Also called: SYNE1-Related Autosomal Recessive Cerebellar Ataxia; Spinocerebellar ataxia, autosomal recessive 8; ATAXIA, RECESSIVE, OF BEAUCE; SYNE1 Deficiency. Identifiers: Orphanet 88644, MedGen C1853116, MONDO:0012549, OMIM 610743.

Allele frequency attached by ClinVar (database versions not stated): gnomAD exomes below 0.00001 and 0.00001; gnomAD 0.00001; TOPMed 0.00002; ESP Exome Variant Server 0.00008.
gnomAD v4.1: 22 of 1,613,936 alleles (0.0014%); highest among the groups gnomAD compares: Non-Finnish European, 0.0018%; no homozygotes.

Submission:

Labcorp Genetics (formerly Invitae), Labcorp
Classification: Uncertain significance for Emery-Dreifuss muscular dystrophy 4, autosomal dominant; Autosomal recessive ataxia, Beauce type. Last evaluated: 2022-05-16. Review status: criteria provided, single submitter. Criteria: Invitae Variant Classification Sherloc (09022015). Collection method: clinical testing. Allele origin: germline.
Comment: This sequence change replaces proline, which is neutral and non-polar, with glutamine, which is neutral and polar, at codon 8645 of the SYNE1 protein (p.Pro8645Gln). This variant is not present in population databases (gnomAD no frequency). This variant has not been reported in the literature in individuals affected with SYNE1-related conditions. Algorithms developed to predict the effect of missense changes on protein structure and function are either unavailable or do not agree on the potential impact of this missense change (SIFT: "Deleterious"; PolyPhen-2: "Probably Damaging"; Align-GVGD: "Class C0"). In summary, the available evidence is currently insufficient to determine the role of this variant in disease. Therefore, it has been classified as a Variant of Uncertain Significance.